The following is an entry in ClinVar:

NM_001205293.3(CACNA1E):c.2638G>A (p.Glu880Lys)

Gene: CACNA1E (calcium voltage-gated channel subunit alpha1 E; plus strand). Cytogenetic location: 1q25.3.
Variant type: single nucleotide variant.
Coding change: c.2638G>A on transcript NM_001205293.3 (MANE Select); coding-DNA position 2638, G replaced by A.
Protein change: p.Glu880Lys; replaces glutamic acid 880 with lysine.
Molecular consequence: missense variant.
Genome position (GRCh38, 1-based): chr1:181,732,724, G>A. VCF-style: chr1-181732724-G-A. GRCh37 (hg19) VCF-style: chr1-181701860-G-A.
Other names: c.2638G>A, p.Glu880Lys (NM_000721.4); c.2581G>A, p.Glu861Lys (NM_001205294.2); short protein forms E861K, E880K.
Identifiers: ClinVar variation 3679265 (VCV003679265.2).

ClinVar aggregate classification (germline): Uncertain significance (1 of 4 stars; one submission).

Submission:

Labcorp Genetics (formerly Invitae), Labcorp
Classification: Uncertain significance. Last evaluated: 2024-04-05. Review status: criteria provided, single submitter. Criteria: Invitae Variant Classification Sherloc (09022015). Collection method: clinical testing. Allele origin: germline.
Comment: This sequence change replaces glutamic acid, which is acidic and polar, with lysine, which is basic and polar, at codon 880 of the CACNA1E protein (p.Glu880Lys). This variant is not present in population databases (gnomAD no frequency). This variant has not been reported in the literature in individuals affected with CACNA1E-related conditions. Advanced modeling of protein sequence and biophysical properties (such as structural, functional, and spatial information, amino acid conservation, physicochemical variation, residue mobility, and thermodynamic stability) performed at Invitae indicates that this missense variant is not expected to disrupt CACNA1E protein function with a negative predictive value of 95%. In summary, the available evidence is currently insufficient to determine the role of this variant in disease. Therefore, it has been classified as a Variant of Uncertain Significance.